The following is an entry in ClinVar:

NM_000059.4(BRCA2):c.3769C>A (p.Pro1257Thr)

Gene: BRCA2 (BRCA2 DNA repair associated; plus strand). Cytogenetic location: 13q13.1.
Variant type: single nucleotide variant.
Coding change: c.3769C>A on transcript NM_000059.4 (MANE Select); coding-DNA position 3769, C replaced by A.
Protein change: p.Pro1257Thr; replaces proline 1257 with threonine.
Molecular consequence: missense variant.
Genome position (GRCh38, 1-based): chr13:32,338,124, C>A. VCF-style: chr13-32338124-C-A. GRCh37 (hg19) VCF-style: chr13-32912261-C-A.
Other names: short protein forms P1257T.
Identifiers: ClinVar variation 409506 (VCV000409506.9), dbSNP rs1060502438, ClinGen allele CA16614137.
Genomic context (GRCh38, chr13:32,338,124, plus strand): 5'-GCTGTGAAACTGTTTAGTGATATTGAGAATATTAGTGAGGAAACTTCTGCAGAGGTACAT[C>A]CAATAAGTTTATCTTCAAGTAAATGTCATGATTCTGTTGTTTCAATGTTTAAGATAGAAA-3'
Protein context (NP_000050.3, residues 1247-1267): ISEETSAEVH[Pro1257Thr]ISLSSSKCHD

ClinVar aggregate classification (germline): Conflicting classifications of pathogenicity. Review status: criteria provided, conflicting classifications (1 of 4 stars). 3 submissions from 3 submitters: Uncertain significance (2); Likely benign (1). Last evaluated 2025-07-25.

Conditions:
Hereditary breast ovarian cancer syndrome. Also called: Hereditary breast and ovarian cancer; Hereditary breast and/or ovarian cancer syndrome; BRCA1- and BRCA2-Associated Hereditary Breast and Ovarian Cancer; Hereditary breast and ovarian cancer syndrome; Hereditary breast and ovarian cancer syndrome (HBOC); Breast and ovarian cancer. Identifiers: Orphanet 145, MedGen C0677776, MeSH D061325, MONDO:0003582. Disease mechanism: loss of function.
Hereditary cancer-predisposing syndrome. Also called: Tumor predisposition; Hereditary Cancer Syndrome; Hereditary neoplastic syndrome; Neoplastic Syndromes, Hereditary. Identifiers: Orphanet 140162, MedGen C0027672, MeSH D009386, MONDO:0015356.

Submissions (3):

Ambry Genetics
Classification: Uncertain significance for Hereditary cancer-predisposing syndrome. Last evaluated: 2025-07-25. Review status: criteria provided, single submitter. Criteria: Ambry Variant Classification Scheme 2023. Collection method: clinical testing. Allele origin: germline.
Comment: The p.P1257T variant (also known as c.3769C>A), located in coding exon 10 of the BRCA2 gene, results from a C to A substitution at nucleotide position 3769. The proline at codon 1257 is replaced by threonine, an amino acid with highly similar properties. This amino acid position is conserved. In addition, this alteration is predicted to be tolerated by in silico analysis. Based on the available evidence, the clinical significance of this variant remains unclear.

Labcorp Genetics (formerly Invitae), Labcorp
Classification: Uncertain significance for Hereditary breast ovarian cancer syndrome. Last evaluated: 2025-04-24. Review status: criteria provided, single submitter. Criteria: Invitae Variant Classification Sherloc (09022015). Collection method: clinical testing. Allele origin: germline.
Comment: This sequence change replaces proline, which is neutral and non-polar, with threonine, which is neutral and polar, at codon 1257 of the BRCA2 protein (p.Pro1257Thr). This variant is not present in population databases (gnomAD no frequency). This variant has not been reported in the literature in individuals affected with BRCA2-related conditions. ClinVar contains an entry for this variant (Variation ID: 409506). Invitae Evidence Modeling of protein sequence and biophysical properties (such as structural, functional, and spatial information, amino acid conservation, physicochemical variation, residue mobility, and thermodynamic stability) indicates that this missense variant is not expected to disrupt BRCA2 protein function with a negative predictive value of 95%. In summary, the available evidence is currently insufficient to determine the role of this variant in disease. Therefore, it has been classified as a Variant of Uncertain Significance.

University of Washington Department of Laboratory Medicine, University of Washington
Classification: Likely benign for Hereditary cancer-predisposing syndrome. Last evaluated: 2023-03-23. Review status: criteria provided, single submitter. Criteria: Dines et al. (Genet Med. 2020). Collection method: curation. Allele origin: germline.
Comment: Missense variant in a coldspot region where missense variants are very unlikely to be pathogenic (PMID:31911673).

BRCA2 exon 11 coldspot. Reclassification based on statistical prior probability.